The following is an entry in ClinVar:

ClinVar aggregate classification (germline): Uncertain significance. Review status: criteria provided, multiple submitters, no conflicts (2 of 4 stars). 4 submissions from 4 submitters: Uncertain significance (4). Last evaluated 2026-02-09.

Conditions:
Hereditary cancer-predisposing syndrome. Also called: Neoplastic Syndromes, Hereditary; Hereditary neoplastic syndrome; Tumor predisposition; Hereditary Cancer Syndrome. Identifiers: Orphanet 140162, MedGen C0027672, MeSH D009386, MONDO:0015356.
Familial cancer of breast. Also called: Hereditary breast cancer; BREAST CANCER, FAMILIAL; hereditary breast carcinoma. Identifiers: Orphanet 227535, MedGen C0346153, MONDO:0016419, OMIM 114480. Disease mechanism: loss of function.

gnomAD v4.1: 1 of 1,612,338 alleles (0.000062%); no homozygotes.

Submissions (4):

Ambry Genetics
Classification: Uncertain significance for Hereditary cancer-predisposing syndrome. Last evaluated: 2026-02-09. Review status: criteria provided, single submitter. Criteria: Ambry Variant Classification Scheme 2023. Collection method: clinical testing. Allele origin: germline.
Comment: The c.1314+5G>A intronic variant results from a G to A substitution 5 nucleotides after coding exon 4 in the BARD1 gene. This nucleotide position is well conserved in available vertebrate species. In silico splice site analysis predicts that this alteration will weaken the native splice donor site. Based on the available evidence, the clinical significance of this variant remains unclear.

Labcorp Genetics (formerly Invitae), Labcorp
Classification: Uncertain significance for Familial cancer of breast. Last evaluated: 2024-08-30. Review status: criteria provided, single submitter. Criteria: Invitae Variant Classification Sherloc (09022015). Collection method: clinical testing. Allele origin: germline.
Comment: This sequence change falls in intron 4 of the BARD1 gene. It does not directly change the encoded amino acid sequence of the BARD1 protein. It affects a nucleotide within the consensus splice site. This variant is not present in population databases (gnomAD no frequency). This variant has been observed in individual(s) with BARD1-related conditions (PMID: 35264596). ClinVar contains an entry for this variant (Variation ID: 584632). Variants that disrupt the consensus splice site are a relatively common cause of aberrant splicing (PMID: 17576681, 9536098). Algorithms developed to predict the effect of sequence changes on RNA splicing suggest that this variant may disrupt the consensus splice site. In summary, the available evidence is currently insufficient to determine the role of this variant in disease. Therefore, it has been classified as a Variant of Uncertain Significance.

Sema4
Classification: Uncertain significance for Hereditary cancer-predisposing syndrome. Last evaluated: 2022-03-09. Review status: criteria provided, single submitter. Criteria: Sema4 Curation Guidelines. Collection method: curation. Allele origin: germline.
Comment: The BARD1 c.1314+5G>A variant has not been reported in the literature to our knowledge. This variant is not reported in the population database Genome Aggregation Database (PMID: 32461654). The variant has been reported in ClinVar (Variation ID: 584632). In silico tools suggest the variant may disrupt normal splicing, though these predictions have not been confirmed by functional studies. The evidence is insufficient to meet ACMG/AMP criteria for classifying the variant as benign or pathogenic. Thus, the clinical significance of this variant is currently uncertain.

Mendelics
Classification: Uncertain significance for Familial cancer of breast. Last evaluated: 2018-07-02. Review status: criteria provided, single submitter. Criteria: Mendelics Assertion Criteria 2017. Collection method: clinical testing. Allele origin: unknown.

Literature cited by the submitters: PubMed 35264596 (cited by Labcorp Genetics (formerly Invitae), Labcorp); PubMed 17576681 (cited by Labcorp Genetics (formerly Invitae), Labcorp); PubMed 9536098 (cited by Labcorp Genetics (formerly Invitae), Labcorp).

NM_000465.4(BARD1):c.1314+5G>A

Gene: BARD1 (BRCA1 associated RING domain 1; minus strand). Cytogenetic location: 2q35.
Variant type: single nucleotide variant.
Coding change: c.1314+5G>A on transcript NM_000465.4 (MANE Select); 5 bases into the intron after coding-DNA position 1314, G replaced by A.
Molecular consequence: intron variant.
Genome position (GRCh38, 1-based): chr2:214,780,555, C>T on the plus strand (G>A on the coding strand, the complement: BARD1 is on the minus strand). VCF-style: chr2-214780555-C-T. GRCh37 (hg19) VCF-style: chr2-215645279-C-T.
Other names: c.159-28000G>A (NM_001282548.2); c.1257+5G>A (NM_001282543.2); c.215+16506G>A (NM_001282545.2); c.364+11742G>A (NM_001282549.2).
Identifiers: ClinVar variation 584632 (VCV000584632.11), dbSNP rs868089048, ClinGen allele CA764591283.
Genomic context (GRCh38, chr2:214,780,555, plus strand): 5'-ACTGCAAAGAAATTGCTTTATAGTTGGCCTCATTCTGAGATGGTATTTCAGAGTAAGCAT[C>T]CTACCTTAATAGAAGCAATATGGAGCAAAGTCTCTCCTCTATGATTTCTTTTCACAGCCA-3'